The following is an entry in ClinVar:

NM_000494.4(COL17A1):c.2167G>A (p.Glu723Lys)

Gene: COL17A1 (collagen type XVII alpha 1 chain; minus strand). Cytogenetic location: 10q25.1.
Variant type: single nucleotide variant.
Coding change: c.2167G>A on transcript NM_000494.4 (MANE Select); coding-DNA position 2167, G replaced by A.
Protein change: p.Glu723Lys; replaces glutamic acid 723 with lysine.
Molecular consequence: missense variant.
Genome position (GRCh38, 1-based): chr10:104,049,469, C>T on the plus strand (G>A on the coding strand, the complement: COL17A1 is on the minus strand). VCF-style: chr10-104049469-C-T. GRCh37 (hg19) VCF-style: chr10-105809227-C-T.
Other names: short protein forms E723K.
Identifiers: ClinVar variation 4857623 (VCV004857623.1).

ClinVar aggregate classification (germline): Uncertain significance (1 of 4 stars; one submission).

Conditions:
Epidermolysis bullosa, junctional 4, intermediate. Also called: Epidermolysis bullosa, junctional, localisata variant; EPIDERMOLYSIS BULLOSA, JUNCTIONAL 4, NON-HERLITZ TYPE; EPIDERMOLYSIS BULLOSA, GENERALIZED ATROPHIC BENIGN. Identifiers: MedGen C2608084, MONDO:0030750, OMIM 619787.

gnomAD v4.1: 37 of 1,614,200 alleles (0.0023%); highest among the groups gnomAD compares: South Asian, 0.031%; no homozygotes.

Submission:

Kasturba Medical College, Manipal, Kasturba Medical College, Manipal, Manipal Academy of Higher Education, Manipal, India
Classification: Uncertain significance for Epidermolysis bullosa, junctional 4, intermediate. Last evaluated: 2026-06-01. Review status: criteria provided, single submitter. Criteria: ACMG Guidelines, 2015. Collection method: research. Allele origin: unknown. Inheritance: Autosomal recessive inheritance. Affected: yes. Observed: 1 variant allele, 1 homozygote.
Comment: This variant is seen in 37 individuals in the gnomAD database (v4.1.0) in heterozygous state and is not seen in our exome data of 4264 individuals. In-silico prediction tools (REVEL, CADD, GERP, and MutationTaster) are consistent in predicting the variant to impair the COL17A1 protein function.